The following is an entry in ClinVar:

ClinVar aggregate classification (germline): Uncertain significance (1 of 4 stars; one submission).

Allele frequency attached by ClinVar (database versions not stated): gnomAD exomes below 0.00001; ExAC 0.00007.
gnomAD v4.1: 1 of 1,545,730 alleles (0.000065%); highest among the groups gnomAD compares: South Asian, 0.0012%; no homozygotes.

Submission:

Labcorp Genetics (formerly Invitae), Labcorp
Classification: Uncertain significance. Last evaluated: 2022-09-12. Review status: criteria provided, single submitter. Criteria: Invitae Variant Classification Sherloc (09022015). Collection method: clinical testing. Allele origin: germline.
Comment: In summary, the available evidence is currently insufficient to determine the role of this variant in disease. Therefore, it has been classified as a Variant of Uncertain Significance. This sequence change replaces arginine, which is basic and polar, with glycine, which is neutral and non-polar, at codon 6 of the TNFSF11 protein (p.Arg6Gly). The frequency data for this variant in the population databases is considered unreliable, as metrics indicate poor data quality at this position in the gnomAD database. This variant has not been reported in the literature in individuals affected with TNFSF11-related conditions. Algorithms developed to predict the effect of missense changes on protein structure and function (SIFT, PolyPhen-2, Align-GVGD) all suggest that this variant is likely to be tolerated.

NM_003701.4(TNFSF11):c.16A>G (p.Arg6Gly)

Genes: TNFSF11 (TNF superfamily member 11; plus strand), LOC130009662 (ATAC-STARR-seq lymphoblastoid silent region 5301; plus strand). Cytogenetic location: 13q14.11.
Variant type: single nucleotide variant.
Coding change: c.16A>G on transcript NM_003701.4 (MANE Select); coding-DNA position 16, A replaced by G.
Protein change: p.Arg6Gly; replaces arginine 6 with glycine.
Molecular consequence: missense variant. On other transcripts: intron variant (1).
Genome position (GRCh38, 1-based): chr13:42,574,319, A>G. VCF-style: chr13-42574319-A-G. GRCh37 (hg19) VCF-style: chr13-43148455-A-G.
Other names: c.-1+2581A>G (NM_033012.4); short protein forms R6G.
Identifiers: ClinVar variation 2066471 (VCV002066471.4), dbSNP rs775270513, ClinGen allele CA6967106.